The following is an entry in ClinVar:

ClinVar aggregate classification (germline): Likely benign. Review status: criteria provided, single submitter (1 of 4 stars). 2 submissions from 2 submitters: Likely benign (1). 1 of the submissions does not count toward it. Last evaluated 2018-05-08.

Conditions:
GABRA3-related disorder. Also called: GABRA3-related condition.

Allele frequency attached by ClinVar (database versions not stated): ExAC 0.00015; gnomAD exomes 0.00019 and 0.00041; TOPMed 0.00019; gnomAD 0.00025 and 0.00027; ESP Exome Variant Server 0.00038.
gnomAD v4.1: 461 of 1,168,858 alleles (0.039%); highest among the groups gnomAD compares: Non-Finnish European, 0.05%; no homozygotes.

Submissions (2):

Labcorp Genetics (formerly Invitae), Labcorp
Classification: Likely benign. Last evaluated: 2018-05-08. Review status: criteria provided, single submitter. Criteria: Invitae Variant Classification Sherloc (09022015). Collection method: clinical testing. Allele origin: germline.

PreventionGenetics, part of Exact Sciences
Classification: Likely benign for GABRA3-related condition. Last evaluated: 2019-08-28. Review status: no assertion criteria provided. Collection method: clinical testing. Allele origin: germline. Not counted in ClinVar's aggregate classification.
Comment: This variant is classified as likely benign based on ACMG/AMP sequence variant interpretation guidelines (Richards et al. 2015 PMID: 25741868, with internal and published modifications).

NM_000808.4(GABRA3):c.331-4C>T

Gene: GABRA3 (gamma-aminobutyric acid type A receptor subunit alpha3; minus strand). Cytogenetic location: Xq28.
Variant type: single nucleotide variant.
Coding change: c.331-4C>T on transcript NM_000808.4 (MANE Select); 4 bases into the intron before coding-DNA position 331, C replaced by T.
Molecular consequence: intron variant.
Genome position (GRCh38, 1-based): chrX:152,256,002, G>A on the plus strand (C>T on the coding strand, the complement: GABRA3 is on the minus strand). VCF-style: chrX-152256002-G-A. GRCh37 (hg19) VCF-style: chrX-151424474-G-A.
Identifiers: ClinVar variation 742959 (VCV000742959.5), dbSNP rs200630597, ClinGen allele CA10543219.